The following is an entry in ClinVar:

NM_001142459.2(ASB10):c.398G>A (p.Arg133Gln)

Gene: ASB10 (ankyrin repeat and SOCS box containing 10; minus strand). Cytogenetic location: 7q36.1.
Variant type: single nucleotide variant.
Coding change: c.398G>A on transcript NM_001142459.2 (MANE Select); coding-DNA position 398, G replaced by A.
Protein change: p.Arg133Gln; replaces arginine 133 with glutamine.
Molecular consequence: missense variant.
Genome position (GRCh38, 1-based): chr7:151,186,578, C>T on the plus strand (G>A on the coding strand, the complement: ASB10 is on the minus strand). VCF-style: chr7-151186578-C-T. GRCh37 (hg19) VCF-style: chr7-150883665-C-T.
Other names: c.398G>A, p.Arg133Gln (NM_001142460.1); c.353G>A, p.Arg118Gln (NM_080871.4); c.398G>A (NM_001142459.1); short protein forms R133Q, R118Q.
Identifiers: ClinVar variation 2167634 (VCV002167634.5), dbSNP rs767765146, ClinGen allele CA4573897.
Genomic context (GRCh38, chr7:151,186,578, plus strand): 5'-TGCAGGGCGGTGCGGCCCCCAGGGGCACTGTCTGGCCTTGCTCGCCGCCTCAGCAGCAGC[C>T]GCAGGACTTCCGTGTGGCCACGGCTGGCTGCCACATGCAGTGGGGTGGTCAGCTCCTCTT-3'
Protein context (NP_001135931.2, residues 123-143): AASRGHTEVL[Arg133Gln]LLLRRRARPD

ClinVar aggregate classification (germline): Conflicting classifications of pathogenicity. Review status: criteria provided, conflicting classifications (1 of 4 stars). 2 submissions from 2 submitters: Uncertain significance (1); Likely benign (1). Last evaluated 2025-08-21.

Allele frequency attached by ClinVar (database versions not stated): gnomAD 0.00001; TOPMed 0.00002; ExAC 0.00005.
gnomAD v4.1: 26 of 1,608,078 alleles (0.0016%); highest among the groups gnomAD compares: East Asian, 0.0022%; no homozygotes.

Submissions (2):

Ambry Genetics
Classification: Likely benign. Last evaluated: 2025-08-21. Review status: criteria provided, single submitter. Criteria: Ambry Variant Classification Scheme 2023. Collection method: clinical testing. Allele origin: germline.

Labcorp Genetics (formerly Invitae), Labcorp
Classification: Uncertain significance. Last evaluated: 2025-01-23. Review status: criteria provided, single submitter. Criteria: Invitae Variant Classification Sherloc (09022015). Collection method: clinical testing. Allele origin: germline.
Comment: This sequence change replaces arginine, which is basic and polar, with glutamine, which is neutral and polar, at codon 133 of the ASB10 protein (p.Arg133Gln). This variant is present in population databases (rs767765146, gnomAD 0.01%). This variant has not been reported in the literature in individuals affected with ASB10-related conditions. ClinVar contains an entry for this variant (Variation ID: 2167634). An algorithm developed to predict the effect of missense changes on protein structure and function outputs the following: PolyPhen-2: "Benign". The glutamine amino acid residue is found in multiple mammalian species, which suggests that this missense change does not adversely affect protein function. In summary, the available evidence is currently insufficient to determine the role of this variant in disease. Therefore, it has been classified as a Variant of Uncertain Significance.